The following is an entry in ClinVar:

ClinVar aggregate classification (germline): Likely benign (1 of 4 stars; one submission).

Submission:

CeGaT Center for Human Genetics Tuebingen
Classification: Likely benign. Last evaluated: 2026-02-01. Review status: criteria provided, single submitter. Criteria: CeGaT Center For Human Genetics Tuebingen Variant Classification Criteria Version 2. Collection method: clinical testing. Allele origin: germline. Affected: yes. Observed: 1 variant allele.
Comment: PCDHB7: BP4, BP7

NM_018940.4(PCDHB7):c.1524G>A (p.Ala508=)

Genes: PCDHB7 (protocadherin beta 7; plus strand), PCDHB@ (protocadherin beta cluster; plus strand). Cytogenetic location: 5q31.3.
Variant type: single nucleotide variant.
Coding change: c.1524G>A on transcript NM_018940.4 (MANE Select); coding-DNA position 1524, G replaced by A.
Protein change: p.Ala508=; no amino-acid change (alanine 508 retained).
Molecular consequence: synonymous variant.
Genome position (GRCh38, 1-based): chr5:141,174,359, G>A. VCF-style: chr5-141174359-G-A. GRCh37 (hg19) VCF-style: chr5-140553940-G-A.
Identifiers: ClinVar variation 4821775 (VCV004821775.4).